The following is an entry in ClinVar:

NM_030761.5(WNT4):c.881G>A (p.Arg294His)

Gene: WNT4 (Wnt family member 4; minus strand). Cytogenetic location: 1p36.12.
Variant type: single nucleotide variant.
Coding change: c.881G>A on transcript NM_030761.5 (MANE Select); coding-DNA position 881, G replaced by A.
Protein change: p.Arg294His; replaces arginine 294 with histidine.
Molecular consequence: missense variant.
Genome position (GRCh38, 1-based): chr1:22,120,225, C>T on the plus strand (G>A on the coding strand, the complement: WNT4 is on the minus strand). VCF-style: chr1-22120225-C-T. GRCh37 (hg19) VCF-style: chr1-22446718-C-T.
Other names: short protein forms R294H.
Identifiers: ClinVar variation 2442019 (VCV002442019.3), dbSNP rs1215767738, ClinGen allele CA338916022.

ClinVar aggregate classification (germline): Uncertain significance. Review status: criteria provided, multiple submitters, no conflicts (2 of 4 stars). 3 submissions from 3 submitters: Uncertain significance (3). Last evaluated 2025-09-14.

Conditions:
SERKAL syndrome (SERKAL). Also called: 46,XX SEX REVERSAL WITH DYSGENESIS OF KIDNEYS, ADRENALS, AND LUNGS. Identifiers: Orphanet 139466, MedGen C2678492, MONDO:0012734, OMIM 611812.
Mullerian aplasia and hyperandrogenism. Also called: MULLERIAN DUCT FAILURE AND HYPERANDROGENISM. Identifiers: Orphanet 247768, MedGen C2675014, MONDO:0008019, OMIM 158330.

Allele frequency attached by ClinVar (database versions not stated): gnomAD exomes below 0.00001; TOPMed 0.00001.
gnomAD v4.1: 2 of 1,614,076 alleles (0.00012%); highest among the groups gnomAD compares: Non-Finnish European, 0.00017%; no homozygotes.

Submissions (3):

Labcorp Genetics (formerly Invitae), Labcorp
Classification: Uncertain significance. Last evaluated: 2025-09-14. Review status: criteria provided, single submitter. Criteria: Invitae Variant Classification Sherloc (09022015). Collection method: clinical testing. Allele origin: germline.
Comment: This sequence change replaces arginine, which is basic and polar, with histidine, which is basic and polar, at codon 294 of the WNT4 protein (p.Arg294His). This variant is not present in population databases (gnomAD no frequency). This variant has not been reported in the literature in individuals affected with WNT4-related conditions. ClinVar contains an entry for this variant (Variation ID: 2442019). Invitae Evidence Modeling of protein sequence and biophysical properties (such as structural, functional, and spatial information, amino acid conservation, physicochemical variation, residue mobility, and thermodynamic stability) indicates that this missense variant is expected to disrupt WNT4 protein function with a positive predictive value of 80%. In summary, the available evidence is currently insufficient to determine the role of this variant in disease. Therefore, it has been classified as a Variant of Uncertain Significance.

Fulgent Genetics
Classification: Uncertain significance for Mullerian aplasia and hyperandrogenism; SERKAL syndrome. Last evaluated: 2024-05-08. Review status: criteria provided, single submitter. Criteria: ACMG Guidelines, 2015. Collection method: clinical testing. Allele origin: germline.

Baylor Genetics
Classification: Uncertain significance for Mullerian aplasia and hyperandrogenism. Last evaluated: 2021-12-19. Review status: criteria provided, single submitter. Criteria: ACMG Guidelines, 2015. Collection method: clinical testing. Allele origin: unknown.